The following is an entry in ClinVar:

ClinVar aggregate classification (germline): Likely pathogenic (1 of 4 stars; one submission).

Conditions:
Neurodevelopmental disorder with microcephaly, cortical malformations, and spasticity. Also called: VANDERVORE-SCHOT SYNDROME. Identifiers: MedGen C5231480, MONDO:0032887, OMIM 618730.

Submission:

Neuberg Centre For Genomic Medicine, NCGM
Classification: Likely pathogenic for Neurodevelopmental disorder with microcephaly, cortical malformations, and spasticity. Review status: criteria provided, single submitter. Criteria: ACMG Guidelines, 2015. Collection method: clinical testing. Allele origin: germline. Inheritance: Autosomal recessive inheritance. Affected: yes. Observed: 1 heterozygote.
Comment: The frameshift c.185_188del (p.Asp62GlyfsTer7) variant in TMX2 gene has not been reported previously as a pathogenic variant nor as a benign variant, to our knowledge. This variant is novel (not in any individuals) in gnomAD Exomes and 1000 Genomes. This variant causes a frameshift starting with codon Aspartic Acid 62, changes this amino acid to Glycine residue, and creates a premature Stop codon at position 7 of the new reading frame, denoted p.Asp62GlyfsTer7. This variant is predicted to cause loss of normal protein function through protein truncation. Loss of function variants have been previously reported to be disease causing. For these reasons, this variant has been classified as Likely Pathogenic.

NM_015959.4(TMX2):c.185_188del (p.Asp62fs)

Genes: TMX2 (thioredoxin related transmembrane protein 2; plus strand), TMX2-CTNND1 (TMX2-CTNND1 readthrough (NMD candidate); plus strand). Cytogenetic location: 11q12.1.
Variant type: Deletion.
Coding change: c.185_188del on transcript NM_015959.4 (MANE Select); coding-DNA positions 185 to 188, 4 bases deleted (ACTG; older notation c.185_188delACTG).
Protein change: p.Asp62fs; shifts the reading frame from aspartic acid 62.
Molecular consequence: frameshift variant. On other transcripts: non-coding transcript variant (5), 5 prime UTR variant (3), intron variant (3).
Genome position (GRCh38, 1-based): chr11:57,712,803-57,712,806, ACTG deleted; deleting any 4 consecutive bases within chr11:57,712,801-57,712,806 gives the same sequence; the c. name uses the placement nearest the transcript's 3' end. VCF-style (leftmost placement, unchanged base first): chr11-57712800-TTGAC-T. GRCh37 (hg19) VCF-style: chr11-57480272-TTGAC-T.
Other names: c.185_188del, p.Asp62fs (NM_001144012.3, NM_001347890.2, NM_001347898.2); c.-175_-172del (NM_001347893.2, NM_001347894.2); c.-225_-222del (NM_001347895.2); c.166+19_166+22del (NM_001347891.2); c.-171+19_-171+22del (NM_001347896.2); c.-19+19_-19+22del (NM_001347892.2); short protein forms D62fs.
Identifiers: ClinVar variation 3024111 (VCV003024111.1), dbSNP rs2495048806, ClinGen allele CA2574828763.